The following is an entry in ClinVar:

ClinVar aggregate classification (germline): Uncertain significance (1 of 4 stars; one submission).

Conditions:
Progressive myoclonic epilepsy type 7. Identifiers: Orphanet 435438, MedGen C4015420, MONDO:0014521, OMIM 616187.

Submission:

Labcorp Genetics (formerly Invitae), Labcorp
Classification: Uncertain significance for Progressive myoclonic epilepsy type 7. Last evaluated: 2022-07-26. Review status: criteria provided, single submitter. Criteria: Invitae Variant Classification Sherloc (09022015). Collection method: clinical testing. Allele origin: germline.
Comment: This variant has not been reported in the literature in individuals affected with KCNC1-related conditions. In summary, the available evidence is currently insufficient to determine the role of this variant in disease. Therefore, it has been classified as a Variant of Uncertain Significance. Experimental studies and prediction algorithms are not available or were not evaluated, and the functional significance of this variant is currently unknown. This variant results in a copy number gain of the genomic region encompassing exon(s) 1 of the KCNC1 gene. This region includes the initiator codon of the gene. This copy number gain extends beyond the assayed region for this gene and therefore may encompass additional genes. As the precise location of this event is unknown, it may be in tandem or it may be located elsewhere in the genome.

NC_000011.9:g.(?_17757550)_(17758139_?)dup

Gene: KCNC1 (potassium voltage-gated channel subfamily C member 1; plus strand). Cytogenetic location: 11p15.1.
Variant type: Duplication.
Identifiers: ClinVar variation 2423729 (VCV002423729.4).